The following is an entry in ClinVar:

NM_000535.7(PMS2):c.2175A>T (p.Ala725=)

Gene: PMS2 (PMS1 homolog 2, mismatch repair system component; minus strand). Cytogenetic location: 7p22.1.
Variant type: single nucleotide variant.
Coding change: c.2175A>T on transcript NM_000535.7 (MANE Select); coding-DNA position 2175, A replaced by T.
Protein change: p.Ala725=; no amino-acid change (alanine 725 retained).
Molecular consequence: synonymous variant. On other transcripts: non-coding transcript variant (1).
Genome position (GRCh38, 1-based): chr7:5,978,696, T>A on the plus strand (A>T on the coding strand, the complement: PMS2 is on the minus strand). VCF-style: chr7-5978696-T-A. GRCh37 (hg19) VCF-style: chr7-6018327-T-A.
Other names: c.1242A>T, p.Ala414= (NM_001322011.2, NM_001322012.2); c.2175A>T, p.Ala725= (NM_001322014.2); c.1866A>T, p.Ala622= (NM_001322015.2); c.1602A>T, p.Ala534= (NM_001322013.2); c.1770A>T, p.Ala590= (NM_001322003.2, NM_001322004.2, NM_001322005.2 and 1 more transcripts); c.2019A>T, p.Ala673= (NM_001322006.2); c.1857A>T, p.Ala619= (NM_001322007.2, NM_001322008.2); c.1614A>T, p.Ala538= (NM_001322010.2).
Identifiers: ClinVar variation 382715 (VCV000382715.17), dbSNP rs769116749, ClinGen allele CA16605827.

ClinVar aggregate classification (germline): Likely benign. Review status: criteria provided, multiple submitters, no conflicts (2 of 4 stars). 4 submissions from 4 submitters: Likely benign (4). Last evaluated 2025-10-13.

Conditions:
Hereditary nonpolyposis colorectal neoplasms. Identifiers: MedGen C0009405, MeSH D003123.
Hereditary cancer-predisposing syndrome. Also called: Hereditary Cancer Syndrome; Hereditary neoplastic syndrome; Neoplastic Syndromes, Hereditary; Tumor predisposition. Identifiers: Orphanet 140162, MedGen C0027672, MeSH D009386, MONDO:0015356.

Submissions (4):

Labcorp Genetics (formerly Invitae), Labcorp
Classification: Likely benign for Hereditary nonpolyposis colorectal neoplasms. Last evaluated: 2025-10-13. Review status: criteria provided, single submitter. Criteria: Invitae Variant Classification Sherloc (09022015). Collection method: clinical testing. Allele origin: germline.

Color Diagnostics, LLC DBA Color Health
Classification: Likely benign for Hereditary cancer-predisposing syndrome. Last evaluated: 2024-01-02. Review status: criteria provided, single submitter. Criteria: ACMG Guidelines, 2015. Collection method: clinical testing. Allele origin: germline.

Ambry Genetics
Classification: Likely benign for Hereditary cancer-predisposing syndrome. Last evaluated: 2019-02-05. Review status: criteria provided, single submitter. Criteria: Ambry Variant Classification Scheme 2023. Collection method: clinical testing. Allele origin: germline.

GeneDx
Classification: Likely benign. Last evaluated: 2016-01-05. Review status: criteria provided, single submitter. Criteria: GeneDx Variant Classification (06012015). Collection method: clinical testing. Allele origin: germline. Affected: yes.
Comment: This variant is considered likely benign or benign based on one or more of the following criteria: it is a conservative change, it occurs at a poorly conserved position in the protein, it is predicted to be benign by multiple in silico algorithms, and/or has population frequency not consistent with disease.